The following is an entry in ClinVar:

ClinVar aggregate classification (germline): Uncertain significance (1 of 4 stars; one submission).

Allele frequency attached by ClinVar (database versions not stated): gnomAD exomes below 0.00001; ExAC 0.00001.
gnomAD v4.1: 4 of 1,614,028 alleles (0.00025%); highest among the groups gnomAD compares: East Asian, 0.0022%; no homozygotes.

Submission:

Labcorp Genetics (formerly Invitae), Labcorp
Classification: Uncertain significance. Last evaluated: 2023-12-05. Review status: criteria provided, single submitter. Criteria: Invitae Variant Classification Sherloc (09022015). Collection method: clinical testing. Allele origin: germline.
Comment: This sequence change replaces tyrosine, which is neutral and polar, with cysteine, which is neutral and slightly polar, at codon 319 of the EIF2B5 protein (p.Tyr319Cys). This variant is present in population databases (rs759376966, gnomAD 0.006%). This missense change has been observed in individual(s) with clinical features of infantile vanishing white matter disease (PMID: 30315562). In at least one individual the data is consistent with being in trans (on the opposite chromosome) from a pathogenic variant. Advanced modeling of protein sequence and biophysical properties (such as structural, functional, and spatial information, amino acid conservation, physicochemical variation, residue mobility, and thermodynamic stability) performed at Invitae indicates that this missense variant is not expected to disrupt EIF2B5 protein function with a negative predictive value of 80%. In summary, the available evidence is currently insufficient to determine the role of this variant in disease. Therefore, it has been classified as a Variant of Uncertain Significance.

Literature cited by the submitters: PubMed 30315562.

NM_003907.3(EIF2B5):c.956A>G (p.Tyr319Cys)

Gene: EIF2B5 (eukaryotic translation initiation factor 2B subunit epsilon; plus strand). Cytogenetic location: 3q27.1.
Variant type: single nucleotide variant.
Coding change: c.956A>G on transcript NM_003907.3 (MANE Select); coding-DNA position 956, A replaced by G.
Protein change: p.Tyr319Cys; replaces tyrosine 319 with cysteine.
Molecular consequence: missense variant.
Genome position (GRCh38, 1-based): chr3:184,140,530, A>G. VCF-style: chr3-184140530-A-G. GRCh37 (hg19) VCF-style: chr3-183858318-A-G.
Other names: short protein forms Y319C.
Identifiers: ClinVar variation 2910178 (VCV002910178.2), dbSNP rs759376966, ClinGen allele CA2726558.